The following is an entry in ClinVar:

ClinVar aggregate classification (germline): Uncertain significance. Review status: criteria provided, multiple submitters, no conflicts (2 of 4 stars). 4 submissions from 4 submitters: Uncertain significance (4). Last evaluated 2024-03-07.

Conditions:
Central core myopathy (CMYO1A). Also called: Central core disease; Myopathy, central fibrillar; CONGENITAL MYOPATHY 1A, AUTOSOMAL DOMINANT, WITH SUSCEPTIBILITY TO MALIGNANT HYPERTHERMIA. Identifiers: Orphanet 597, MedGen C5830701, MONDO:0007294, OMIM 117000.
King Denborough syndrome (KDS). Identifiers: MedGen C1840365, MONDO:0020485, OMIM 619542.
Malignant hyperthermia, susceptibility to, 1 (MHS1). Also called: RYR1-Related Malignant Hyperthermia Susceptibility; Anesthesia related hyperthermia; Malignant hyperpyrexia; Fulminating hyperpyrexia; Pharmacogenic myopathy; Malignant hyperthermia suceptibility 1. Identifiers: Orphanet 423, MedGen C2930980, MONDO:0007783, OMIM 145600.
Congenital multicore myopathy with external ophthalmoplegia (CMYO1B). Also called: Minicore myopathy with external ophthalmoplegia; MULTIMINICORE DISEASE WITH EXTERNAL OPHTHALMOPLEGIA; Congenital myopathy 1B, autosomal recessive; Minicore myopathy; MULTICORE MYOPATHY. Identifiers: Orphanet 598, Orphanet 98905, MedGen C1850674, MONDO:0009712, OMIM 255320, HP:0003789.
Congenital myopathy with fiber type disproportion. Also called: Congenital fiber-type disproportion myopathy; Congenital fiber-type disproportion. Identifiers: Orphanet 2020, MedGen C0546264, MONDO:0009711. Inheritance: all.
RYR1-related disorder. Also called: RYR1-related disorders; RYR1-related condition. Identifiers: MedGen CN239331.

gnomAD v4.1: 15 of 1,612,754 alleles (0.00093%); highest among the groups gnomAD compares: Middle Eastern, 0.017%; no homozygotes.

Submissions (4):

Color Diagnostics, LLC DBA Color Health
Classification: Uncertain significance for Malignant hyperthermia, susceptibility to, 1. Last evaluated: 2024-03-07. Review status: criteria provided, single submitter. Criteria: ACMG Guidelines, 2015. Collection method: clinical testing. Allele origin: germline.
Comment: This missense variant replaces isoleucine with valine at codon 2577 of the RYR1 protein. Computational prediction suggests that this variant may not impact protein structure and function. To our knowledge, functional studies have not been reported for this variant. This variant has not been reported in individuals affected with RYR1-related disorders in the literature. This variant has been identified in 4/250476 chromosomes in the general population by the Genome Aggregation Database (gnomAD). The available evidence is insufficient to determine the role of this variant in disease conclusively. Therefore, this variant is classified as a Variant of Uncertain Significance.

All of Us Research Program, National Institutes of Health
Classification: Uncertain significance for Malignant hyperthermia, susceptibility to, 1. Last evaluated: 2023-07-13. Review status: criteria provided, single submitter. Criteria: ACMG Guidelines, 2015. Collection method: clinical testing. Allele origin: germline. Inheritance: Autosomal dominant inheritance. Observed: 2 variant alleles, 2 heterozygotes.
Comment: This missense variant replaces isoleucine with valine at codon 2577 of the RYR1 protein. Computational prediction suggests that this variant may not impact protein structure and function (internally defined REVEL score threshold <= 0.5, PMID: 27666373). To our knowledge, functional studies have not been reported for this variant. This variant has not been reported in individuals affected with RYR1-related disorders in the literature. This variant has been identified in 4/250476 chromosomes in the general population by the Genome Aggregation Database (gnomAD). The available evidence is insufficient to determine the role of this variant in disease conclusively. Therefore, this variant is classified as a Variant of Uncertain Significance.

This study involves interpretation of variants in research participants for the purpose of population health screening. Participant phenotype was not available at the time of variant classification. Additional details can be found in publication PMID: 35346344, PMCID: PMC8962531

Labcorp Genetics (formerly Invitae), Labcorp
Classification: Uncertain significance for RYR1-related disorder. Last evaluated: 2022-07-19. Review status: criteria provided, single submitter. Criteria: Invitae Variant Classification Sherloc (09022015). Collection method: clinical testing. Allele origin: germline.
Comment: This sequence change replaces isoleucine, which is neutral and non-polar, with valine, which is neutral and non-polar, at codon 2577 of the RYR1 protein (p.Ile2577Val). This variant is present in population databases (rs567321458, gnomAD 0.01%). This variant has not been reported in the literature in individuals affected with RYR1-related conditions. ClinVar contains an entry for this variant (Variation ID: 655938). Advanced modeling of protein sequence and biophysical properties (such as structural, functional, and spatial information, amino acid conservation, physicochemical variation, residue mobility, and thermodynamic stability) performed at Invitae indicates that this missense variant is not expected to disrupt RYR1 protein function. In summary, the available evidence is currently insufficient to determine the role of this variant in disease. Therefore, it has been classified as a Variant of Uncertain Significance.

Fulgent Genetics
Classification: Uncertain significance for Central core myopathy; Malignant hyperthermia, susceptibility to, 1; Congenital myopathy 4A, autosomal dominant; Congenital multicore myopathy with external ophthalmoplegia; King Denborough syndrome. Last evaluated: 2021-08-23. Review status: criteria provided, single submitter. Criteria: ACMG Guidelines, 2015. Collection method: clinical testing. Allele origin: unknown.

NM_000540.3(RYR1):c.7729A>G (p.Ile2577Val)

Gene: RYR1 (ryanodine receptor 1; plus strand). Cytogenetic location: 19q13.2.
Variant type: single nucleotide variant.
Coding change: c.7729A>G on transcript NM_000540.3 (MANE Select); coding-DNA position 7729, A replaced by G.
Protein change: p.Ile2577Val; replaces isoleucine 2577 with valine.
Molecular consequence: missense variant.
Genome position (GRCh38, 1-based): chr19:38,502,621, A>G. VCF-style: chr19-38502621-A-G. GRCh37 (hg19) VCF-style: chr19-38993261-A-G.
Other names: c.7729A>G, p.Ile2577Val (NM_001042723.2); short protein forms I2577V.
Identifiers: ClinVar variation 655938 (VCV000655938.9), dbSNP rs567321458, ClinGen allele CA070086.